The following is an entry in ClinVar:

NM_006379.5(SEMA3C):c.943A>G (p.Asn315Asp)

Gene: SEMA3C (semaphorin 3C; minus strand). Cytogenetic location: 7q21.11.
Variant type: single nucleotide variant.
Coding change: c.943A>G on transcript NM_006379.5 (MANE Select); coding-DNA position 943, A replaced by G.
Protein change: p.Asn315Asp; replaces asparagine 315 with aspartic acid.
Molecular consequence: missense variant.
Genome position (GRCh38, 1-based): chr7:80,800,800, T>C on the plus strand (A>G on the coding strand, the complement: SEMA3C is on the minus strand). VCF-style: chr7-80800800-T-C. GRCh37 (hg19) VCF-style: chr7-80430116-T-C.
Other names: c.997A>G, p.Asn333Asp (NM_001350120.2); c.769A>G, p.Asn257Asp (NM_001350121.2); short protein forms N257D, N315D, N333D.
Identifiers: ClinVar variation 2636572 (VCV002636572.3), dbSNP rs777235123, ClinGen allele CA4316272.

ClinVar aggregate classification (germline): Uncertain significance (0 of 4 stars; one submission).

Conditions:
SEMA3C-related disorder. Also called: SEMA3C-related condition.

Allele frequency attached by ClinVar (database versions not stated): ExAC 0.00001; gnomAD 0.00001; TOPMed 0.00001.
gnomAD v4.1: 3 of 1,518,564 alleles (0.0002%); highest among the groups gnomAD compares: African/African-American, 0.0029%; no homozygotes.

Submission:

PreventionGenetics, part of Exact Sciences
Classification: Uncertain significance for SEMA3C-related condition. Last evaluated: 2023-12-01. Review status: no assertion criteria provided. Collection method: clinical testing. Allele origin: germline.
Comment: The SEMA3C c.997A>G variant is predicted to result in the amino acid substitution p.Asn333Asp. To our knowledge, this variant has not been reported in the literature. This variant is reported in 0.0089% of alleles in individuals of African descent in gnomAD. At this time, the clinical significance of this variant is uncertain due to the absence of conclusive functional and genetic evidence.